The following is an entry in ClinVar:

ClinVar aggregate classification (germline): Benign/Likely benign. Review status: criteria provided, multiple submitters, no conflicts (2 of 4 stars). 3 submissions from 3 submitters: Benign (1); Likely benign (2). Last evaluated 2025-12-03.

Allele frequency attached by ClinVar (database versions not stated): ESP Exome Variant Server 0.00008; TOPMed 0.00016; gnomAD 0.00017; gnomAD exomes 0.00020; ExAC 0.00033.
gnomAD v4.1: 314 of 1,563,054 alleles (0.02%); highest among the groups gnomAD compares: Middle Eastern, 0.35%; 1 homozygote.

Submissions (3):

Labcorp Genetics (formerly Invitae), Labcorp
Classification: Benign. Last evaluated: 2025-12-03. Review status: criteria provided, single submitter. Criteria: Invitae Variant Classification Sherloc (09022015). Collection method: clinical testing. Allele origin: germline.

Blueprint Genetics
Classification: Likely benign. Last evaluated: 2024-01-22. Review status: criteria provided, single submitter. Criteria: ACMG Guidelines, 2015. Collection method: clinical testing. Allele origin: germline.

CeGaT Center for Human Genetics Tuebingen
Classification: Likely benign. Last evaluated: 2023-04-01. Review status: criteria provided, single submitter. Criteria: CeGaT Center For Human Genetics Tuebingen Variant Classification Criteria Version 2. Collection method: clinical testing. Allele origin: germline. Affected: yes. Observed: 1 variant allele.
Comment: KMT2E: BP4, BS1

NM_182931.3(KMT2E):c.72-8C>T

Gene: KMT2E (lysine methyltransferase 2E (inactive); plus strand). Cytogenetic location: 7q22.3.
Variant type: single nucleotide variant.
Coding change: c.72-8C>T on transcript NM_182931.3 (MANE Select); 8 bases into the intron before coding-DNA position 72, C replaced by T.
Molecular consequence: intron variant.
Genome position (GRCh38, 1-based): chr7:105,062,156, C>T. VCF-style: chr7-105062156-C-T. GRCh37 (hg19) VCF-style: chr7-104702603-C-T.
Other names: c.72-8C>T (NM_018682.4).
Identifiers: ClinVar variation 2160341 (VCV002160341.29), dbSNP rs368980325, ClinGen allele CA4423609.